The following is an entry in ClinVar:

NM_152564.5(VPS13B):c.11099G>A (p.Arg3700Gln)

Gene: VPS13B (vacuolar protein sorting 13 homolog B; plus strand). Cytogenetic location: 8q22.2.
Variant type: single nucleotide variant.
Coding change: c.11099G>A on transcript NM_152564.5 (MANE Select); coding-DNA position 11099, G replaced by A.
Protein change: p.Arg3700Gln; replaces arginine 3700 with glutamine.
Molecular consequence: missense variant.
Genome position (GRCh38, 1-based): chr8:99,861,830, G>A. VCF-style: chr8-99861830-G-A. GRCh37 (hg19) VCF-style: chr8-100874058-G-A.
Other names: c.11174G>A (NM_017890.3); c.11174G>A, p.Arg3725Gln (NM_017890.5); short protein forms R3700Q, R3725Q.
Identifiers: ClinVar variation 949707 (VCV000949707.8), dbSNP rs750753561, ClinGen allele CA4825144.

ClinVar aggregate classification (germline): Uncertain significance. Review status: criteria provided, multiple submitters, no conflicts (2 of 4 stars). 3 submissions from 3 submitters: Uncertain significance (2). 1 of the submissions does not count toward it. Last evaluated 2025-01-29.

Conditions:
Inborn genetic diseases. Identifiers: MedGen C0950123, MeSH D030342.
Cohen syndrome (COH1). Also called: PEPPER SYNDROME; Cutis verticis gyrata, retinitis pigmentosa, and sensorineural deafness. Identifiers: Orphanet 193, MedGen C0265223, MONDO:0008999, OMIM 216550.

Allele frequency attached by ClinVar (database versions not stated): TOPMed 0.00001; ExAC 0.00002.
gnomAD v4.1: 61 of 1,598,798 alleles (0.0038%); highest among the groups gnomAD compares: Non-Finnish European, 0.0048%; no homozygotes.

Submissions (3):

Labcorp Genetics (formerly Invitae), Labcorp
Classification: Uncertain significance for Cohen syndrome. Last evaluated: 2025-01-29. Review status: criteria provided, single submitter. Criteria: Invitae Variant Classification Sherloc (09022015). Collection method: clinical testing. Allele origin: germline.
Comment: This sequence change replaces arginine, which is basic and polar, with glutamine, which is neutral and polar, at codon 3725 of the VPS13B protein (p.Arg3725Gln). The frequency data for this variant in the population databases is considered unreliable, as metrics indicate poor data quality at this position in the gnomAD database. This variant has not been reported in the literature in individuals affected with VPS13B-related conditions. ClinVar contains an entry for this variant (Variation ID: 949707). Invitae Evidence Modeling of protein sequence and biophysical properties (such as structural, functional, and spatial information, amino acid conservation, physicochemical variation, residue mobility, and thermodynamic stability) indicates that this missense variant is expected to disrupt VPS13B protein function with a positive predictive value of 80%. In summary, the available evidence is currently insufficient to determine the role of this variant in disease. Therefore, it has been classified as a Variant of Uncertain Significance.

Ambry Genetics
Classification: Uncertain significance for Inborn genetic diseases. Last evaluated: 2021-11-15. Review status: criteria provided, single submitter. Criteria: Ambry Variant Classification Scheme 2023. Collection method: clinical testing. Allele origin: germline.

Natera, Inc.
Classification: Uncertain significance for Cohen syndrome. Last evaluated: 2021-08-02. Review status: no assertion criteria provided. Collection method: clinical testing. Allele origin: germline. Not counted in ClinVar's aggregate classification.